The following is an entry in ClinVar:

ClinVar aggregate classification (germline): Pathogenic (1 of 4 stars; one submission).

Submission:

Labcorp Genetics (formerly Invitae), Labcorp
Classification: Pathogenic. Last evaluated: 2024-05-06. Review status: criteria provided, single submitter. Criteria: Invitae Variant Classification Sherloc (09022015). Collection method: clinical testing. Allele origin: germline.
Comment: This sequence change creates a premature translational stop signal (p.Thr371Profs*90) in the LZTR1 gene. It is expected to result in an absent or disrupted protein product. Loss-of-function variants in LZTR1 are known to be pathogenic (PMID: 24362817, 25335493, 25480913, 25795793, 29469822, 30368668, 30442762, 30442766, 30481304, 30859559). This variant is not present in population databases (gnomAD no frequency). This variant has not been reported in the literature in individuals affected with LZTR1-related conditions. For these reasons, this variant has been classified as Pathogenic.

Literature cited by the submitters: PubMed 24362817; PubMed 25335493; PubMed 25480913; PubMed 25795793; PubMed 29469822; PubMed 30368668; PubMed 30442762; PubMed 30442766; PubMed 30481304; PubMed 30859559.

NM_006767.4(LZTR1):c.1111del (p.Thr371fs)

Gene: LZTR1 (leucine zipper like post translational regulator 1; plus strand). Cytogenetic location: 22q11.21.
Variant type: Deletion.
Coding change: c.1111del on transcript NM_006767.4 (MANE Select); coding-DNA position 1111, one base deleted (A; older notation c.1111delA).
Protein change: p.Thr371fs; shifts the reading frame from threonine 371.
Molecular consequence: frameshift variant.
Genome position (GRCh38, 1-based): chr22:20,992,331, A deleted. VCF-style (leftmost placement, unchanged base first): chr22-20992330-CA-C. GRCh37 (hg19) VCF-style: chr22-21346619-CA-C.
Other names: short protein forms T371fs.
Identifiers: ClinVar variation 3652293 (VCV003652293.2).